The following is an entry in ClinVar:

ClinVar aggregate classification (germline): Uncertain significance. Review status: criteria provided, multiple submitters, no conflicts (2 of 4 stars). 3 submissions from 3 submitters: Uncertain significance (3). Last evaluated 2026-03-04.

Conditions:
Hereditary cancer-predisposing syndrome. Also called: Neoplastic Syndromes, Hereditary; Tumor predisposition; Hereditary Cancer Syndrome; Hereditary neoplastic syndrome. Identifiers: Orphanet 140162, MedGen C0027672, MeSH D009386, MONDO:0015356.

Submissions (3):

Ambry Genetics
Classification: Uncertain significance for Hereditary cancer-predisposing syndrome. Last evaluated: 2026-03-04. Review status: criteria provided, single submitter. Criteria: Ambry Variant Classification Scheme 2023. Collection method: clinical testing. Allele origin: germline.
Comment: The p.P183S variant (also known as c.547C>T), located in coding exon 5 of the SMARCB1 gene, results from a C to T substitution at nucleotide position 547. The proline at codon 183 is replaced by serine, an amino acid with similar properties. This amino acid position is conserved. In addition, this alteration is predicted to be tolerated by in silico analysis. Based on the available evidence, the clinical significance of this variant remains unclear.

GeneDx
Classification: Uncertain significance. Last evaluated: 2023-12-26. Review status: criteria provided, single submitter. Criteria: GeneDx Variant Classification Process June 2021. Collection method: clinical testing. Allele origin: germline. Affected: yes.
Comment: Not observed at significant frequency in large population cohorts (gnomAD); In silico analysis supports that this missense variant does not alter protein structure/function; Has not been previously published as pathogenic or benign to our knowledge

Labcorp Genetics (formerly Invitae), Labcorp
Classification: Uncertain significance. Last evaluated: 2022-02-22. Review status: criteria provided, single submitter. Criteria: Invitae Variant Classification Sherloc (09022015). Collection method: clinical testing. Allele origin: germline.
Comment: In summary, the available evidence is currently insufficient to determine the role of this variant in disease. Therefore, it has been classified as a Variant of Uncertain Significance. This sequence change replaces proline, which is neutral and non-polar, with serine, which is neutral and polar, at codon 183 of the SMARCB1 protein (p.Pro183Ser). This variant is not present in population databases (gnomAD no frequency). This variant has not been reported in the literature in individuals affected with SMARCB1-related conditions. Algorithms developed to predict the effect of missense changes on protein structure and function (SIFT, PolyPhen-2, Align-GVGD) all suggest that this variant is likely to be tolerated.

NM_003073.5(SMARCB1):c.547C>T (p.Pro183Ser)

Gene: SMARCB1 (SWI/SNF related BAF chromatin remodeling complex subunit B1; plus strand). Cytogenetic location: 22q11.23.
Variant type: single nucleotide variant.
Coding change: c.547C>T on transcript NM_003073.5 (MANE Select); coding-DNA position 547, C replaced by T.
Protein change: p.Pro183Ser; replaces proline 183 with serine.
Molecular consequence: missense variant.
Genome position (GRCh38, 1-based): chr22:23,803,341, C>T. VCF-style: chr22-23803341-C-T. GRCh37 (hg19) VCF-style: chr22-24145528-C-T.
Other names: c.520C>T, p.Pro174Ser (NM_001007468.3); c.574C>T, p.Pro192Ser (NM_001317946.2); c.601C>T, p.Pro201Ser (NM_001362877.2); short protein forms P174S, P201S, P183S, P192S.
Identifiers: ClinVar variation 2101411 (VCV002101411.6), dbSNP rs963945453, ClinGen allele CA410935657.